The following is an entry in ClinVar:

ClinVar aggregate classification (germline): Likely benign (0 of 4 stars; one submission).

Conditions:
ANKLE2-related disorder. Also called: ANKLE2-related condition.

Allele frequency attached by ClinVar (database versions not stated): 1000 Genomes Project 30x 0.00031.
gnomAD v4.1: 42 of 1,608,864 alleles (0.0026%); highest among the groups gnomAD compares: African/African-American, 0.053%; no homozygotes.

Submission:

PreventionGenetics, part of Exact Sciences
Classification: Likely benign for ANKLE2-related condition. Last evaluated: 2019-11-25. Review status: no assertion criteria provided. Collection method: clinical testing. Allele origin: germline.
Comment: This variant is classified as likely benign based on ACMG/AMP sequence variant interpretation guidelines (Richards et al. 2015 PMID: 25741868, with internal and published modifications).

NM_015114.3(ANKLE2):c.1992C>G (p.Pro664=)

Gene: ANKLE2 (ankyrin repeat and LEM domain containing 2; minus strand). Cytogenetic location: 12q24.33.
Variant type: single nucleotide variant.
Coding change: c.1992C>G on transcript NM_015114.3 (MANE Select); coding-DNA position 1992, C replaced by G.
Protein change: p.Pro664=; no amino-acid change (proline 664 retained).
Molecular consequence: synonymous variant.
Genome position (GRCh38, 1-based): chr12:132,730,170, G>C on the plus strand (C>G on the coding strand, the complement: ANKLE2 is on the minus strand). VCF-style: chr12-132730170-G-C. GRCh37 (hg19) VCF-style: chr12-133306756-G-C.
Identifiers: ClinVar variation 3048920 (VCV003048920.2), dbSNP rs774399611, ClinGen allele CA6895354.